The following is an entry in ClinVar:

NM_001243279.3(ACSF3):c.689G>A (p.Trp230Ter)

Gene: ACSF3 (acyl-CoA synthetase family member 3; plus strand). Cytogenetic location: 16q24.3.
Variant type: single nucleotide variant.
Coding change: c.689G>A on transcript NM_001243279.3 (MANE Select); coding-DNA position 689, G replaced by A.
Protein change: p.Trp230Ter; replaces tryptophan 230 with a stop codon.
Molecular consequence: nonsense. On other transcripts: 5 prime UTR variant (1), non-coding transcript variant (3).
Genome position (GRCh38, 1-based): chr16:89,102,626, G>A. VCF-style: chr16-89102626-G-A. GRCh37 (hg19) VCF-style: chr16-89169034-G-A.
Other names: c.689G>A, p.Trp230Ter (NM_001127214.4, NM_174917.5); c.-107G>A (NM_001284316.2); short protein forms W230*.
Identifiers: ClinVar variation 642486 (VCV000642486.17), dbSNP rs145583876, ClinGen allele CA8237762.
Genomic context (GRCh38, chr16:89,102,626, plus strand): 5'-CTTGCTCTTGCTCTCAGCTGTGCTCTCGTCCCCTGCAGGTGACCGGGCTGGTCCACAAGT[G>A]GGCATGGACCAAAGACGACGTGATCCTCCACGTGCTCCCGCTGCACCACGTCCATGGTGT-3'

ClinVar aggregate classification (germline): Pathogenic/Likely pathogenic. Review status: criteria provided, multiple submitters, no conflicts (2 of 4 stars). 4 submissions from 4 submitters: Pathogenic (3); Likely pathogenic (1). Last evaluated 2025-10-27.

Conditions:
Combined malonic and methylmalonic acidemia. Identifiers: Orphanet 289504, MedGen C3280314, MONDO:0013661, OMIM 614265.

Allele frequency attached by ClinVar (database versions not stated): TOPMed 0.00001; gnomAD 0.00002 and 0.00005; gnomAD exomes 0.00004 and 0.00010; ExAC 0.00006; 1000 Genomes Project 30x 0.00031; 1000 Genomes Project 0.00040.
gnomAD v4.1: 155 of 1,613,822 alleles (0.0096%); highest among the groups gnomAD compares: East Asian, 0.34%; no homozygotes.

Submissions (4):

Natera, Inc.
Classification: Pathogenic for Combined malonic and methylmalonic aciduria. Last evaluated: 2025-10-27. Review status: criteria provided, single submitter. Criteria: Natera Variant Classification Schema (03/2026). Collection method: clinical testing. Allele origin: germline.
Comment: The c.689G>A variant in ACSF3 is a nonsense variant predicted to introduce a stop codon at amino acid 230. This variant is expected to result in nonsense mediated decay, truncation, or a dysfunctional protein product. This variant is rare in the general population with a frequency below the threshold expected for the associated phenotype(s). This variant has been observed in one or more individuals affected with the associated recessive disease, as either homozygous or compound heterozygous with a second variant (PMID: 30642647). Given the available evidence, this variant is classified as Pathogenic.

Women's Health and Genetics/Laboratory Corporation of America, LabCorp
Classification: Pathogenic for Combined malonic and methylmalonic acidemia. Last evaluated: 2024-04-22. Review status: criteria provided, single submitter. Criteria: LabCorp Variant Classification Summary - May 2015. Collection method: clinical testing. Allele origin: germline.
Comment: Variant summary: ACSF3 c.689G>A (p.Trp230X) results in a premature termination codon, predicted to cause a absence of the protein due to nonsense mediated decay, which is a commonly known mechanism for disease. The variant allele was found at a frequency of 3.6e-05 in 251240 control chromosomes. c.689G>A has been reported in the literature in at-least one individual affected with Combined Malonic And Methylmalonic Aciduria (example, Imai-Okazaki_2019). These data do not allow any conclusion about variant significance. To our knowledge, no experimental evidence demonstrating an impact on protein function has been reported. The following publications have been ascertained in the context of this evaluation (PMID: 30642647, 34900860). ClinVar contains an entry for this variant (Variation ID: 642486). Based on the evidence outlined above, the variant was classified as pathogenic.

Baylor Genetics
Classification: Likely pathogenic for Combined malonic and methylmalonic acidemia. Last evaluated: 2024-03-19. Review status: criteria provided, single submitter. Criteria: ACMG Guidelines, 2015. Collection method: clinical testing. Allele origin: unknown.

Labcorp Genetics (formerly Invitae), Labcorp
Classification: Pathogenic for Combined malonic and methylmalonic acidemia. Last evaluated: 2024-03-06. Review status: criteria provided, single submitter. Criteria: Invitae Variant Classification Sherloc (09022015). Collection method: clinical testing. Allele origin: germline.
Comment: This sequence change creates a premature translational stop signal (p.Trp230*) in the ACSF3 gene. It is expected to result in an absent or disrupted protein product. Loss-of-function variants in ACSF3 are known to be pathogenic (PMID: 21841779, 26827111). The frequency data for this variant in the population databases is considered unreliable, as metrics indicate poor data quality at this position in the gnomAD database. This variant has not been reported in the literature in individuals affected with ACSF3-related conditions. ClinVar contains an entry for this variant (Variation ID: 642486). For these reasons, this variant has been classified as Pathogenic.

Literature cited by the submitters: PubMed 30642647 (cited by Natera, Inc. and Women's Health and Genetics/Laboratory Corporation of America, LabCorp); PubMed 34900860 (cited by Women's Health and Genetics/Laboratory Corporation of America, LabCorp); PubMed 21841779 (cited by Labcorp Genetics (formerly Invitae), Labcorp); PubMed 26827111 (cited by Labcorp Genetics (formerly Invitae), Labcorp).